The following is an entry in ClinVar:

NM_000384.3(APOB):c.2519C>G (p.Thr840Ser)

Gene: APOB (apolipoprotein B; minus strand). Cytogenetic location: 2p24.1.
Variant type: single nucleotide variant.
Coding change: c.2519C>G on transcript NM_000384.3 (MANE Select); coding-DNA position 2519, C replaced by G.
Protein change: p.Thr840Ser; replaces threonine 840 with serine.
Molecular consequence: missense variant.
Genome position (GRCh38, 1-based): chr2:21,023,610, G>C on the plus strand (C>G on the coding strand, the complement: APOB is on the minus strand). VCF-style: chr2-21023610-G-C. GRCh37 (hg19) VCF-style: chr2-21246482-G-C.
Other names: short protein forms T840S.
Identifiers: ClinVar variation 3231387 (VCV003231387.1), dbSNP rs2465409763, ClinGen allele CA346011098.

ClinVar aggregate classification (germline): Uncertain significance (1 of 4 stars; one submission).

Conditions:
Cardiovascular phenotype. Identifiers: MedGen CN230736.

gnomAD v4.1: 2 of 1,614,212 alleles (0.00012%); highest among the groups gnomAD compares: Non-Finnish European, 0.00017%; no homozygotes.

Submission:

Ambry Genetics
Classification: Uncertain significance for Cardiovascular phenotype. Last evaluated: 2023-12-04. Review status: criteria provided, single submitter. Criteria: Ambry Variant Classification Scheme 2023. Collection method: clinical testing. Allele origin: germline.
Comment: The p.T840S variant (also known as c.2519C>G), located in coding exon 17 of the APOB gene, results from a C to G substitution at nucleotide position 2519. The threonine at codon 840 is replaced by serine, an amino acid with similar properties. This amino acid position is conserved. In addition, the in silico prediction for this alteration is inconclusive. Since supporting evidence is limited at this time, the clinical significance of this alteration remains unclear.